The following is an entry in ClinVar:

ClinVar aggregate classification (germline): Uncertain significance (1 of 4 stars; one submission).

gnomAD v4.1: 1 of 1,614,196 alleles (0.000062%); highest among the groups gnomAD compares: Middle Eastern, 0.016%; no homozygotes.

Submission:

GeneDx
Classification: Uncertain significance. Last evaluated: 2026-03-09. Review status: criteria provided, single submitter. Criteria: GeneDx Variant Classification Process June 2021. Collection method: clinical testing. Allele origin: germline.
Comment: Not observed at significant frequency in large population cohorts (gnomAD); In silico analysis suggests that this missense variant does not alter protein structure/function; Has not been previously published as pathogenic or benign to our knowledge

NM_015631.6(TCTN3):c.1729T>A (p.Phe577Ile)

Gene: TCTN3 (tectonic family member 3; minus strand). Cytogenetic location: 10q24.1.
Variant type: single nucleotide variant.
Coding change: c.1729T>A on transcript NM_015631.6 (MANE Select); coding-DNA position 1729, T replaced by A.
Protein change: p.Phe577Ile; replaces phenylalanine 577 with isoleucine.
Molecular consequence: missense variant.
Genome position (GRCh38, 1-based): chr10:95,664,162, A>T on the plus strand (T>A on the coding strand, the complement: TCTN3 is on the minus strand). VCF-style: chr10-95664162-A-T. GRCh37 (hg19) VCF-style: chr10-97423919-A-T.
Other names: c.1285T>A, p.Phe429Ile (NM_001143973.2); c.1633T>A, p.Phe545Ile (NM_001410982.1); short protein forms F429I, F545I, F577I.
Identifiers: ClinVar variation 5008633 (VCV005008633.1).